The following is an entry in ClinVar:

NM_021738.3(SVIL):c.1347C>T (p.Leu449=)

Gene: SVIL (supervillin; minus strand). Cytogenetic location: 10p11.23.
Variant type: single nucleotide variant.
Coding change: c.1347C>T on transcript NM_021738.3 (MANE Select); coding-DNA position 1347, C replaced by T.
Protein change: p.Leu449=; no amino-acid change (leucine 449 retained).
Molecular consequence: synonymous variant. On other transcripts: intron variant (3).
Genome position (GRCh38, 1-based): chr10:29,533,020, G>A on the plus strand (C>T on the coding strand, the complement: SVIL is on the minus strand). VCF-style: chr10-29533020-G-A. GRCh37 (hg19) VCF-style: chr10-29821949-G-A.
Other names: c.909-848C>T (NM_001323599.2); c.828-1732C>T (NM_001323600.1, NM_003174.3).
Identifiers: ClinVar variation 4906997 (VCV004906997.2).

ClinVar aggregate classification (germline): Likely benign. Review status: criteria provided, multiple submitters, no conflicts (2 of 4 stars). 2 submissions from 2 submitters: Likely benign (2). Last evaluated 2026-08-01.

gnomAD v4.1: 880 of 1,613,886 alleles (0.055%); highest among the groups gnomAD compares: Non-Finnish European, 0.072%; no homozygotes.

Submissions (2):

CeGaT Center for Human Genetics Tuebingen
Classification: Likely benign. Last evaluated: 2026-08-01. Review status: criteria provided, single submitter. Criteria: CeGaT Center For Human Genetics Tuebingen Variant Classification Criteria Version 2. Collection method: clinical testing. Allele origin: germline. Affected: yes. Observed: 1 variant allele.
Comment: SVIL: BP4, BP7

Blueprint Genetics
Classification: Likely benign. Last evaluated: 2024-11-20. Review status: criteria provided, single submitter. Criteria: ACMG Guidelines, 2015. Collection method: clinical testing. Allele origin: germline.